The following is an entry in ClinVar:

ClinVar aggregate classification (germline): Pathogenic (1 of 4 stars; one submission).

Allele frequency attached by ClinVar (database versions not stated): gnomAD exomes below 0.00001.

Submission:

Labcorp Genetics (formerly Invitae), Labcorp
Classification: Pathogenic. Last evaluated: 2024-01-16. Review status: criteria provided, single submitter. Criteria: Invitae Variant Classification Sherloc (09022015). Collection method: clinical testing. Allele origin: germline.
Comment: This sequence change creates a premature translational stop signal (p.Leu451Argfs*35) in the GLE1 gene. It is expected to result in an absent or disrupted protein product. Loss-of-function variants in GLE1 are known to be pathogenic (PMID: 18204449, 24243016, 27684565). This variant is not present in population databases (gnomAD no frequency). This variant has not been reported in the literature in individuals affected with GLE1-related conditions. Algorithms developed to predict the effect of sequence changes on RNA splicing suggest that this variant may create or strengthen a splice site. For these reasons, this variant has been classified as Pathogenic.

Literature cited by the submitters: PubMed 18204449; PubMed 24243016; PubMed 27684565.

NM_001003722.2(GLE1):c.1352del (p.Leu451fs)

Genes: GLE1 (GLE1 RNA export mediator; plus strand), LOC101929270 (uncharacterized LOC101929270; minus strand). Cytogenetic location: 9q34.11.
Variant type: Deletion.
Coding change: c.1352del on transcript NM_001003722.2 (MANE Select); coding-DNA position 1352, one base deleted (T; older notation c.1352delT).
Protein change: p.Leu451fs; shifts the reading frame from leucine 451.
Molecular consequence: frameshift variant.
Genome position (GRCh38, 1-based): chr9:128,533,552, T deleted. VCF-style (leftmost placement, unchanged base first): chr9-128533551-CT-C. GRCh37 (hg19) VCF-style: chr9-131295830-CT-C.
Other names: c.1379del, p.Leu460fs (NM_001411013.1); c.1352del, p.Leu451fs (NM_001499.2); short protein forms L451fs, L460fs.
Identifiers: ClinVar variation 3015790 (VCV003015790.3), dbSNP rs2540627387, ClinGen allele CA2691924474.